The following is an entry in ClinVar:

ClinVar aggregate classification (germline): Likely benign (1 of 4 stars; one submission).

Submission:

GeneDx
Classification: Likely benign. Last evaluated: 2017-03-29. Review status: criteria provided, single submitter. Criteria: GeneDx Variant Classification (06012015). Collection method: clinical testing. Allele origin: germline. Affected: yes.
Comment: This variant is considered likely benign or benign based on one or more of the following criteria: it is a conservative change, it occurs at a poorly conserved position in the protein, it is predicted to be benign by multiple in silico algorithms, and/or has population frequency not consistent with disease.

NM_024529.5(CDC73):c.1560-16A>T

Gene: CDC73 (cell division cycle 73; plus strand). Cytogenetic location: 1q31.2.
Variant type: single nucleotide variant.
Coding change: c.1560-16A>T on transcript NM_024529.5 (MANE Select); 16 bases into the intron before coding-DNA position 1560, A replaced by T.
Molecular consequence: intron variant.
Genome position (GRCh38, 1-based): chr1:193,250,660, A>T. VCF-style: chr1-193250660-A-T. GRCh37 (hg19) VCF-style: chr1-193219790-A-T.
Identifiers: ClinVar variation 508538 (VCV000508538.1), dbSNP rs935733228, ClinGen allele CA658795573.